The following is an entry in ClinVar:

NM_033305.3(VPS13A):c.1311G>A (p.Trp437Ter)

Gene: VPS13A (vacuolar protein sorting 13 homolog A; plus strand). Cytogenetic location: 9q21.2.
Variant type: single nucleotide variant.
Coding change: c.1311G>A on transcript NM_033305.3 (MANE Select); coding-DNA position 1311, G replaced by A.
Protein change: p.Trp437Ter; replaces tryptophan 437 with a stop codon.
Molecular consequence: nonsense.
Genome position (GRCh38, 1-based): chr9:77,226,552, G>A. VCF-style: chr9-77226552-G-A. GRCh37 (hg19) VCF-style: chr9-79841468-G-A.
Other names: c.1311G>A, p.Trp437Ter (NM_001018037.2, NM_001018038.3, NM_015186.4); short protein forms W437*.
Identifiers: ClinVar variation 4816377 (VCV004816377.1).
Genomic context (GRCh38, chr9:77,226,552, plus strand): 5'-CAAAGAAGGAGTAAAAGATCCAGAGGATAATAAAGGGTGGTTTAGCTGGCTATGGTCTTG[G>A]TCAGAACAAAATACTAATGAACAGCAACCAGATGTTCAACCTGAAAGTATGTCCATTTCA-3'

ClinVar aggregate classification (germline): Likely pathogenic (1 of 4 stars; one submission).

Conditions:
VPS13A-related neurodegenerative disease. Also called: LEVINE-CRITCHLEY SYNDROME; Choreoacanthocytosis; Chorea-acanthocytosis; ACANTHOCYTOSIS WITH NEUROLOGIC DISORDER; VPS13A Disease; Choreaacanthocytosis. Identifiers: Orphanet 2388, MedGen C0393576, MONDO:0008695, OMIM 200150.

Submission:

Natera, Inc.
Classification: Likely pathogenic for Choreaacanthocytosis. Last evaluated: 2024-03-04. Review status: criteria provided, single submitter. Criteria: Natera Variant Classification Schema (03/2026). Collection method: clinical testing. Allele origin: germline.
Comment: The c.1311G>A variant in VPS13A is a nonsense variant predicted to introduce a stop codon at amino acid 437. This variant is expected to result in nonsense mediated decay, truncation, or a dysfunctional protein product. This variant is rare in the general population with a frequency below the threshold expected for the associated phenotype(s). Given the available evidence, this variant is classified as Likely Pathogenic.